The following is an entry in ClinVar:

NM_000260.4(MYO7A):c.1052C>A (p.Ser351Ter)

Gene: MYO7A (myosin VIIA; plus strand). Cytogenetic location: 11q13.5.
Variant type: single nucleotide variant.
Coding change: c.1052C>A on transcript NM_000260.4 (MANE Select); coding-DNA position 1052, C replaced by A.
Protein change: p.Ser351Ter; replaces serine 351 with a stop codon.
Molecular consequence: nonsense.
Genome position (GRCh38, 1-based): chr11:77,159,495, C>A. VCF-style: chr11-77159495-C-A. GRCh37 (hg19) VCF-style: chr11-76870541-C-A.
Other names: c.1052C>A, p.Ser351Ter (NM_001127180.2); c.1019C>A, p.Ser340Ter (NM_001369365.1); short protein forms S351*, S340*.
Identifiers: ClinVar variation 865781 (VCV000865781.6), dbSNP rs782639389, ClinGen allele CA381933994.

ClinVar aggregate classification (germline): Pathogenic/Likely pathogenic. Review status: criteria provided, multiple submitters, no conflicts (2 of 4 stars). 3 submissions from 3 submitters: Pathogenic (1); Likely pathogenic (2). Last evaluated 2024-06-07.

Conditions:
MYO7A-related disorder. Also called: MYO7A-related disorders.
Autosomal dominant nonsyndromic hearing loss 11. Identifiers: Orphanet 90635, MedGen C1832475, MONDO:0011032, OMIM 601317.
Autosomal recessive nonsyndromic hearing loss 2. Also called: NEUROSENSORY NONSYNDROMIC RECESSIVE DEAFNESS 2; DEAFNESS, AUTOSOMAL RECESSIVE 2. Identifiers: Orphanet 90636, MedGen C1838701, MONDO:0010807, OMIM 600060.
Usher syndrome type 1 (USH1). Also called: RETINITIS PIGMENTOSA AND CONGENITAL DEAFNESS. Identifiers: Orphanet 231169, Orphanet 886, MedGen C1568247, MONDO:0010168, OMIM 276900.

Submissions (3):

Fulgent Genetics
Classification: Likely pathogenic for Usher syndrome type 1; Autosomal recessive nonsyndromic hearing loss 2; Autosomal dominant nonsyndromic hearing loss 11. Last evaluated: 2024-06-07. Review status: criteria provided, single submitter. Criteria: ACMG Guidelines, 2015. Collection method: clinical testing. Allele origin: germline.

Labcorp Genetics (formerly Invitae), Labcorp
Classification: Pathogenic. Last evaluated: 2023-07-31. Review status: criteria provided, single submitter. Criteria: Invitae Variant Classification Sherloc (09022015). Collection method: clinical testing. Allele origin: germline.
Comment: This sequence change creates a premature translational stop signal (p.Ser351*) in the MYO7A gene. It is expected to result in an absent or disrupted protein product. Loss-of-function variants in MYO7A are known to be pathogenic (PMID: 8900236, 25404053). This variant is not present in population databases (gnomAD no frequency). This variant has not been reported in the literature in individuals affected with MYO7A-related conditions. ClinVar contains an entry for this variant (Variation ID: 865781). For these reasons, this variant has been classified as Pathogenic.

Blueprint Genetics
Classification: Likely pathogenic for MYO7A-related disorders. Last evaluated: 2019-10-23. Review status: criteria provided, single submitter. Criteria: ACMG Guidelines, 2015. Collection method: clinical testing. Allele origin: germline. Affected: yes. Observed: 1 variant allele.

Literature cited by the submitters: PubMed 8900236 (cited by Labcorp Genetics (formerly Invitae), Labcorp); PubMed 25404053 (cited by Labcorp Genetics (formerly Invitae), Labcorp).